The following is an entry in ClinVar:

NM_001358530.2(MOCS1):c.55C>T (p.Arg19Trp)

Gene: MOCS1 (molybdenum cofactor synthesis 1; minus strand). Cytogenetic location: 6p21.2.
Variant type: single nucleotide variant.
Coding change: c.55C>T on transcript NM_001358530.2 (MANE Select); coding-DNA position 55, C replaced by T.
Protein change: p.Arg19Trp; replaces arginine 19 with tryptophan.
Molecular consequence: missense variant. On other transcripts: 5 prime UTR variant (2), non-coding transcript variant (1).
Genome position (GRCh38, 1-based): chr6:39,934,363, G>A on the plus strand (C>T on the coding strand, the complement: MOCS1 is on the minus strand). VCF-style: chr6-39934363-G-A. GRCh37 (hg19) VCF-style: chr6-39902102-G-A.
Other names: c.55C>T, p.Arg19Trp (NM_001075098.4, NM_001358529.2); c.-80C>T (NM_001358531.2, NM_001358533.2); short protein forms R19W.
Identifiers: ClinVar variation 3054924 (VCV003054924.2), dbSNP rs762916986, ClinGen allele CA3796507.

ClinVar aggregate classification (germline): Uncertain significance (0 of 4 stars; one submission).

Conditions:
MOCS1-related disorder. Also called: MOCS1-related condition.

Allele frequency attached by ClinVar (database versions not stated): TOPMed below 0.00001; gnomAD exomes 0.00001; ExAC 0.00007.
gnomAD v4.1: 22 of 1,556,466 alleles (0.0014%); highest among the groups gnomAD compares: South Asian, 0.0035%; no homozygotes.

Submission:

PreventionGenetics, part of Exact Sciences
Classification: Uncertain significance for MOCS1-related condition. Last evaluated: 2024-02-07. Review status: no assertion criteria provided. Collection method: clinical testing. Allele origin: germline.
Comment: The MOCS1 c.55C>T variant is predicted to result in the amino acid substitution p.Arg19Trp. To our knowledge, this variant has not been reported in the literature. This variant is reported in 0.013% of alleles in individuals of South Asian descent in gnomAD. At this time, the clinical significance of this variant is uncertain due to the absence of conclusive functional and genetic evidence.